The following is an entry in ClinVar:

ClinVar aggregate classification (germline): Conflicting classifications of pathogenicity. Review status: criteria provided, conflicting classifications (1 of 4 stars). 13 submissions from 11 submitters: Uncertain significance (2); Benign (4); Likely benign (7). Last evaluated 2026-07-01.

Conditions:
Inborn genetic diseases. Identifiers: MedGen C0950123, MeSH D030342.
Drash syndrome (DDS). Also called: NEPHROPATHY, WILMS TUMOR, AND GENITAL ANOMALIES; WILMS TUMOR AND PSEUDO- OR TRUE HERMAPHRODITISM. Identifiers: Orphanet 220, MedGen C0950121, MONDO:0008682, OMIM 194080.
Wilms tumor 1 (WT1). Also called: Wilms tumor, somatic. Identifiers: Orphanet 654, MedGen CN033288, MONDO:0008679, OMIM 194070.
11p partial monosomy syndrome (WAGR). Also called: CHROMOSOME 11p13 DELETION SYNDROME; WAGR Spectrum Disorder; WAGR syndrome; WAGR Complex. Identifiers: Orphanet 893, MedGen C0206115, MONDO:0008681, OMIM 194072.
Frasier syndrome. Identifiers: Orphanet 347, MedGen C0950122, MeSH D052159, MONDO:0007635, OMIM 136680.
Hereditary cancer-predisposing syndrome. Also called: Hereditary neoplastic syndrome; Tumor predisposition; Neoplastic Syndromes, Hereditary; Hereditary Cancer Syndrome. Identifiers: Orphanet 140162, MedGen C0027672, MeSH D009386, MONDO:0015356.
Nephrotic syndrome, type 4 (NPHS4). Also called: Familial mesangial sclerosis; Nephrotic syndrome, early onset with diffuse mesangial sclerosis. Identifiers: Orphanet 656, MedGen C3151568, MONDO:0009733, OMIM 256370.
Meacham syndrome. Also called: Meacham Winn Culler syndrome. Identifiers: Orphanet 3097, MedGen C1837026, MONDO:0012164, OMIM 608978.

Allele frequency attached by ClinVar (database versions not stated): ESP Exome Variant Server 0.00031; ExAC 0.00033; gnomAD exomes 0.00039 and 0.00071; 1000 Genomes Project 0.00040; TOPMed 0.00045; 1000 Genomes Project 30x 0.00047; gnomAD 0.00047 and 0.00048.
gnomAD v4.1: 1,103 of 1,614,116 alleles (0.068%); highest among the groups gnomAD compares: Non-Finnish European, 0.087%; 1 homozygote.

Submissions (13):

CeGaT Center for Human Genetics Tuebingen
Classification: Likely benign. Last evaluated: 2026-07-01. Review status: criteria provided, single submitter. Criteria: CeGaT Center For Human Genetics Tuebingen Variant Classification Criteria Version 2. Collection method: clinical testing. Allele origin: germline. Affected: yes. Observed: 7 variant alleles.
Comment: WT1: BP4, BP7

Labcorp Genetics (formerly Invitae), Labcorp
Classification: Benign for Wilms tumor 1; Drash syndrome; 11p partial monosomy syndrome; Frasier syndrome. Last evaluated: 2026-02-04. Review status: criteria provided, single submitter. Criteria: Invitae Variant Classification Sherloc (09022015). Collection method: clinical testing. Allele origin: germline.

Blueprint Genetics
Classification: Likely benign. Last evaluated: 2024-09-18. Review status: criteria provided, single submitter. Criteria: ACMG Guidelines, 2015. Collection method: clinical testing. Allele origin: germline.

Ambry Genetics
Classification: Likely benign for Inborn genetic diseases. Last evaluated: 2024-08-21. Review status: criteria provided, single submitter. Criteria: Ambry Variant Classification Scheme 2023. Collection method: clinical testing. Allele origin: germline.

Athena Diagnostics
Classification: Benign. Last evaluated: 2024-08-21. Review status: criteria provided, single submitter. Criteria: Athena Diagnostics Criteria. Collection method: clinical testing. Allele origin: unknown.

Color Diagnostics, LLC DBA Color Health
Classification: Likely benign for Wilms tumor 1. Last evaluated: 2022-11-14. Review status: criteria provided, single submitter. Criteria: ACMG Guidelines, 2015. Collection method: clinical testing. Allele origin: germline.

ARUP Laboratories, Molecular Genetics and Genomics, ARUP Laboratories
Classification: Likely benign. Last evaluated: 2022-05-04. Review status: criteria provided, single submitter. Criteria: ARUP Molecular Germline Variant Investigation Process 2021. Collection method: clinical testing. Allele origin: germline.

Sema4
Classification: Benign for Hereditary cancer-predisposing syndrome. Last evaluated: 2021-06-18. Review status: criteria provided, single submitter. Criteria: Sema4 Curation Guidelines. Collection method: curation. Allele origin: germline.

GeneDx
Classification: Likely benign. Last evaluated: 2018-05-31. Review status: criteria provided, single submitter. Criteria: GeneDx Variant Classification Process June 2021. Collection method: clinical testing. Allele origin: germline. Affected: yes.
Comment: This variant is associated with the following publications: (PMID: 15483024)

Illumina Laboratory Services, Illumina
Classification: Likely benign for Wilms tumor 1. Last evaluated: 2018-01-13. Review status: criteria provided, single submitter. Criteria: ICSL Variant Classification Criteria 13 December 2019. Collection method: clinical testing. Allele origin: germline.
Comment: This variant was observed in the ICSL laboratory as part of a predisposition screen in an ostensibly healthy population. It had not been previously curated by ICSL or reported in the Human Gene Mutation Database (HGMD: prior to June 1st, 2018), and was therefore a candidate for classification through an automated scoring system. Utilizing variant allele frequency, disease prevalence and penetrance estimates, and inheritance mode, an automated score was calculated to assess if this variant is too frequent to cause the disease. Based on the score and internal cut-off values, a variant classified as likely benign is not then subjected to further curation. The score for this variant resulted in a classification of likely benign for this disease.

Illumina Laboratory Services, Illumina
Classification: Benign for Meacham syndrome. Last evaluated: 2018-01-13. Review status: criteria provided, single submitter. Criteria: ICSL Variant Classification Criteria 13 December 2019. Collection method: clinical testing. Allele origin: germline.
Comment: This variant was observed in the ICSL laboratory as part of a predisposition screen in an ostensibly healthy population. It had not been previously curated by ICSL or reported in the Human Gene Mutation Database (HGMD: prior to June 1st, 2018), and was therefore a candidate for classification through an automated scoring system. Utilizing variant allele frequency, disease prevalence and penetrance estimates, and inheritance mode, an automated score was calculated to assess if this variant is too frequent to cause the disease. Based on the score and internal cut-off values, a variant classified as benign is not then subjected to further curation. The score for this variant resulted in a classification of benign for this disease.

Illumina Laboratory Services, Illumina
Classification: Uncertain significance for Nephrotic syndrome, type 4. Last evaluated: 2018-01-13. Review status: criteria provided, single submitter. Criteria: ICSL Variant Classification Criteria 13 December 2019. Collection method: clinical testing. Allele origin: germline.

Eurofins Ntd Llc (ga)
Classification: Uncertain significance. Last evaluated: 2014-10-23. Review status: criteria provided, single submitter. Criteria: EGL Classification Definitions 2015. Collection method: clinical testing. Allele origin: germline. Observed: 1 variant allele, 1 heterozygote.

NM_024426.6(WT1):c.1131T>C (p.Pro377=)

Gene: WT1 (WT1 transcription factor; minus strand). Cytogenetic location: 11p13.
Variant type: single nucleotide variant.
Coding change: c.1131T>C on transcript NM_024426.6 (MANE Select); coding-DNA position 1131, T replaced by C.
Protein change: p.Pro377=; no amino-acid change (proline 377 retained).
Molecular consequence: synonymous variant. On other transcripts: 5 prime UTR variant (1), non-coding transcript variant (2).
Genome position (GRCh38, 1-based): chr11:32,396,390, A>G on the plus strand (T>C on the coding strand, the complement: WT1 is on the minus strand). VCF-style: chr11-32396390-A-G. GRCh37 (hg19) VCF-style: chr11-32417936-A-G.
Other names: c.1080T>C, p.Pro360= (NM_000378.6, NM_001407045.1, NM_001407048.1 and 1 more transcripts); c.480T>C, p.Pro160= (NM_001198551.2); c.429T>C, p.Pro143= (NM_001198552.2); c.-58T>C (NM_001367854.1); c.1125T>C, p.Pro375= (NM_001407044.1); c.1131T>C, p.Pro377= (NM_001407046.1, NM_024424.5); c.1008T>C, p.Pro336= (NM_001407047.1); c.957T>C, p.Pro319= (NM_001407050.1); and 2 more.
Identifiers: ClinVar variation 198590 (VCV000198590.53), dbSNP rs151034312, ClinGen allele CA016498.